The following is an entry in ClinVar:

NM_015335.5(MED13L):c.5951A>G (p.Gln1984Arg)

Gene: MED13L (mediator complex subunit 13L; minus strand). Cytogenetic location: 12q24.21.
Variant type: single nucleotide variant.
Coding change: c.5951A>G on transcript NM_015335.5 (MANE Select); coding-DNA position 5951, A replaced by G.
Protein change: p.Gln1984Arg; replaces glutamine 1984 with arginine.
Molecular consequence: missense variant.
Genome position (GRCh38, 1-based): chr12:115,970,710, T>C on the plus strand (A>G on the coding strand, the complement: MED13L is on the minus strand). VCF-style: chr12-115970710-T-C. GRCh37 (hg19) VCF-style: chr12-116408515-T-C.
Other names: short protein forms Q1984R.
Identifiers: ClinVar variation 1307235 (VCV001307235.2), dbSNP rs2137223630, ClinGen allele CA386876435.

ClinVar aggregate classification (germline): Uncertain significance (1 of 4 stars; one submission).

Submission:

GeneDx
Classification: Uncertain significance. Last evaluated: 2019-07-25. Review status: criteria provided, single submitter. Criteria: GeneDx Variant Classification Process June 2021. Collection method: clinical testing. Allele origin: germline. Affected: yes.
Comment: Not observed in large population cohorts (Lek et al., 2016); In silico analysis, which includes protein predictors and evolutionary conservation, supports a deleterious effect; Has not been previously published as pathogenic or benign to our knowledge